The following is an entry in ClinVar:

ClinVar aggregate classification (germline): Pathogenic (1 of 4 stars; one submission).

Conditions:
Familial cancer of breast. Also called: BREAST CANCER, FAMILIAL; Hereditary breast cancer; hereditary breast carcinoma. Identifiers: Orphanet 227535, MedGen C0346153, MONDO:0016419, OMIM 114480. Disease mechanism: loss of function.

Submission:

Myriad Genetics, Inc.
Classification: Pathogenic for Familial cancer of breast. Last evaluated: 2026-06-01. Review status: criteria provided, single submitter. Criteria: Myriad Autosomal Dominant, Autosomal Recessive and X-Linked Classification Criteria (2023). Collection method: clinical testing. Allele origin: unknown.
Comment: This variant is considered pathogenic. This variant creates a termination codon and is predicted to result in premature protein truncation.

NM_000051.4(ATM):c.5151C>G (p.Tyr1717Ter)

Gene: ATM (ATM serine/threonine kinase; plus strand). Cytogenetic location: 11q22.3.
Variant type: single nucleotide variant.
Coding change: c.5151C>G on transcript NM_000051.4 (MANE Select); coding-DNA position 5151, C replaced by G.
Protein change: p.Tyr1717Ter; replaces tyrosine 1717 with a stop codon.
Molecular consequence: nonsense.
Genome position (GRCh38, 1-based): chr11:108,299,859, C>G. VCF-style: chr11-108299859-C-G. GRCh37 (hg19) VCF-style: chr11-108170586-C-G.
Other names: c.5151C>G, p.Tyr1717Ter (NM_001351834.2); short protein forms Y1717*.
Identifiers: ClinVar variation 4876072 (VCV004876072.1).